The following is an entry in ClinVar:

ClinVar aggregate classification (germline): Uncertain significance (1 of 4 stars; one submission).

Conditions:
Hereditary cancer-predisposing syndrome. Also called: Neoplastic Syndromes, Hereditary; Tumor predisposition; Hereditary Cancer Syndrome; Hereditary neoplastic syndrome. Identifiers: Orphanet 140162, MedGen C0027672, MeSH D009386, MONDO:0015356.

Submission:

Ambry Genetics
Classification: Uncertain significance for Hereditary cancer-predisposing syndrome. Last evaluated: 2019-12-23. Review status: criteria provided, single submitter. Criteria: Ambry Variant Classification Scheme 2023. Collection method: clinical testing. Allele origin: germline.
Comment: The p.E356V variant (also known as c.1067A>T), located in coding exon 4 of the BLM gene, results from an A to T substitution at nucleotide position 1067. The glutamic acid at codon 356 is replaced by valine, an amino acid with dissimilar properties. This amino acid position is not well conserved in available vertebrate species. In addition, this alteration is predicted to be tolerated by in silico analysis. Since supporting evidence is limited at this time, the clinical significance of this alteration remains unclear.

NM_000057.4(BLM):c.1067A>T (p.Glu356Val)

Gene: BLM (BLM RecQ like helicase; plus strand). Cytogenetic location: 15q26.1.
Variant type: single nucleotide variant.
Coding change: c.1067A>T on transcript NM_000057.4 (MANE Select); coding-DNA position 1067, A replaced by T.
Protein change: p.Glu356Val; replaces glutamic acid 356 with valine.
Molecular consequence: missense variant. On other transcripts: 5 prime UTR variant (1).
Genome position (GRCh38, 1-based): chr15:90,754,918, A>T. VCF-style: chr15-90754918-A-T. GRCh37 (hg19) VCF-style: chr15-91298148-A-T.
Other names: c.1067A>T, p.Glu356Val (NM_001287246.2, NM_001287247.2); c.-225A>T (NM_001287248.2); short protein forms E356V.
Identifiers: ClinVar variation 1782147 (VCV001782147.2), dbSNP rs2505407405, ClinGen allele CA393842221.